The following is an entry in ClinVar:

NM_002840.5(PTPRF):c.319T>G (p.Cys107Gly)

Gene: PTPRF (protein tyrosine phosphatase receptor type F; plus strand). Cytogenetic location: 1p34.2.
Variant type: single nucleotide variant.
Coding change: c.319T>G on transcript NM_002840.5 (MANE Select); coding-DNA position 319, T replaced by G.
Protein change: p.Cys107Gly; replaces cysteine 107 with glycine.
Molecular consequence: missense variant.
Genome position (GRCh38, 1-based): chr1:43,553,881, T>G. VCF-style: chr1-43553881-T-G. GRCh37 (hg19) VCF-style: chr1-44019552-T-G.
Other names: c.319T>G, p.Cys107Gly (NM_001329137.2, NM_001329138.2, NM_001329139.2 and 2 more transcripts); short protein forms C107G.
Identifiers: ClinVar variation 4281027 (VCV004281027.7).
Genomic context (GRCh38, chr1:43,553,881, plus strand): 5'-GCAGGGTCAGTGCTTCGGATCCAGCCATTGCGGGTGCAGCGAGATGAAGCCATCTATGAG[T>G]GTACAGCTACTAACAGCCTGGGTGAGATCAACACTAGTGCCAAGCTCTCAGTGCTCGAAG-3'
Protein context (NP_002831.2, residues 97-117): RVQRDEAIYE[Cys107Gly]TATNSLGEIN

ClinVar aggregate classification (germline): Uncertain significance (1 of 4 stars; one submission).

Submission:

CeGaT Center for Human Genetics Tuebingen
Classification: Uncertain significance. Last evaluated: 2025-09-01. Review status: criteria provided, single submitter. Criteria: CeGaT Center For Human Genetics Tuebingen Variant Classification Criteria Version 2. Collection method: clinical testing. Allele origin: germline. Affected: yes. Observed: 1 variant allele.
Comment: PTPRF: PM2, PP3